The following is an entry in ClinVar:

ClinVar aggregate classification (germline): Uncertain significance. Review status: criteria provided, multiple submitters, no conflicts (2 of 4 stars). 2 submissions from 2 submitters: Uncertain significance (2). Last evaluated 2023-10-16.

Conditions:
Inborn genetic diseases. Identifiers: MedGen C0950123, MeSH D030342.

Allele frequency attached by ClinVar (database versions not stated): gnomAD 0.00001; TOPMed 0.00001.
gnomAD v4.1: 64 of 1,565,766 alleles (0.0041%); highest among the groups gnomAD compares: Middle Eastern, 0.017%; no homozygotes.

Submissions (2):

Ambry Genetics
Classification: Uncertain significance for Inborn genetic diseases. Last evaluated: 2023-10-16. Review status: criteria provided, single submitter. Criteria: Ambry Variant Classification Scheme 2023. Collection method: clinical testing. Allele origin: germline.

Labcorp Genetics (formerly Invitae), Labcorp
Classification: Uncertain significance. Last evaluated: 2022-08-08. Review status: criteria provided, single submitter. Criteria: Invitae Variant Classification Sherloc (09022015). Collection method: clinical testing. Allele origin: germline.
Comment: This sequence change replaces arginine, which is basic and polar, with histidine, which is basic and polar, at codon 469 of the KRT14 protein (p.Arg469His). This variant is not present in population databases (gnomAD no frequency). This variant has not been reported in the literature in individuals affected with KRT14-related conditions. Advanced modeling of protein sequence and biophysical properties (such as structural, functional, and spatial information, amino acid conservation, physicochemical variation, residue mobility, and thermodynamic stability) performed at Invitae indicates that this missense variant is expected to disrupt KRT14 protein function. In summary, the available evidence is currently insufficient to determine the role of this variant in disease. Therefore, it has been classified as a Variant of Uncertain Significance.

NM_000526.5(KRT14):c.1406G>A (p.Arg469His)

Gene: KRT14 (keratin 14; minus strand). Cytogenetic location: 17q21.2.
Variant type: single nucleotide variant.
Coding change: c.1406G>A on transcript NM_000526.5 (MANE Select); coding-DNA position 1406, G replaced by A.
Protein change: p.Arg469His; replaces arginine 469 with histidine.
Molecular consequence: missense variant.
Genome position (GRCh38, 1-based): chr17:41,582,448, C>T on the plus strand (G>A on the coding strand, the complement: KRT14 is on the minus strand). VCF-style: chr17-41582448-C-T. GRCh37 (hg19) VCF-style: chr17-39738700-C-T.
Other names: c.1406G>A (NM_000526.4); short protein forms R469H.
Identifiers: ClinVar variation 2197030 (VCV002197030.4), dbSNP rs779936319, ClinGen allele CA290664534.
Genomic context (GRCh38, chr17:41,582,448, plus strand): 5'-TGTGTCCACACGGGGGGCCTCCTAGGCCTGAGCGGGGCTGGGCAGCCTCAGTTCTTGGTG[C>T]GAAGGACCTGCTCGTGGGTGGACACCACCTTGCCATCGTGCACATCCATGACCTTGGTGC-3'
Protein context (NP_000517.3, residues 459-472): KVVSTHEQVL[Arg469His]TKN